The following is an entry in ClinVar:

NM_000070.3(CAPN3):c.1714C>G (p.Arg572Gly)

Gene: CAPN3 (calpain 3; plus strand). Cytogenetic location: 15q15.1.
Variant type: single nucleotide variant.
Coding change: c.1714C>G on transcript NM_000070.3 (MANE Select); coding-DNA position 1714, C replaced by G.
Protein change: p.Arg572Gly; replaces arginine 572 with glycine.
Molecular consequence: missense variant.
Genome position (GRCh38, 1-based): chr15:42,402,971, C>G. VCF-style: chr15-42402971-C-G. GRCh37 (hg19) VCF-style: chr15-42695169-C-G.
Other names: c.1714C>G, p.Arg572Gly (NM_024344.2); c.1570C>G, p.Arg524Gly (NM_173087.2); c.178C>G, p.Arg60Gly (NM_173088.2); short protein forms R572G, R60G, R524G.
Identifiers: ClinVar variation 498261 (VCV000498261.8), dbSNP rs863224959, ClinGen allele CA392000443.

ClinVar aggregate classification (germline): Uncertain significance. Review status: criteria provided, multiple submitters, no conflicts (2 of 4 stars). 2 submissions from 2 submitters: Uncertain significance (2). Last evaluated 2022-11-18.

Conditions:
Autosomal recessive limb-girdle muscular dystrophy type 2A (LGMDR1). Also called: LEYDEN-MOEBIUS MUSCULAR DYSTROPHY; MUSCULAR DYSTROPHY, PELVOFEMORAL; Limb-girdle muscular dystrophy, type 2A; Calpainopathy; Muscular dystrophy, limb-girdle, type 2A, Amish. Identifiers: Orphanet 267, MedGen C1869123, MONDO:0009675, OMIM 253600. Disease mechanism: loss of function.

Submissions (2):

Labcorp Genetics (formerly Invitae), Labcorp
Classification: Uncertain significance for Autosomal recessive limb-girdle muscular dystrophy type 2A. Last evaluated: 2022-11-18. Review status: criteria provided, single submitter. Criteria: Invitae Variant Classification Sherloc (09022015). Collection method: clinical testing. Allele origin: germline.
Comment: This missense change has been observed in individual(s) with clinical features of limb girdle muscular dystrophy (PMID: 30564623). In summary, the available evidence is currently insufficient to determine the role of this variant in disease. Therefore, it has been classified as a Variant of Uncertain Significance. This variant disrupts the p.Arg572 amino acid residue in CAPN3. Other variant(s) that disrupt this residue have been determined to be pathogenic (PMID: 7720071, 10102422, 16650086, 27066545, 27708273). This suggests that this residue is clinically significant, and that variants that disrupt this residue are likely to be disease-causing. Advanced modeling of protein sequence and biophysical properties (such as structural, functional, and spatial information, amino acid conservation, physicochemical variation, residue mobility, and thermodynamic stability) performed at Invitae indicates that this missense variant is expected to disrupt CAPN3 protein function. ClinVar contains an entry for this variant (Variation ID: 498261). This variant is not present in population databases (gnomAD no frequency). This sequence change replaces arginine, which is basic and polar, with glycine, which is neutral and non-polar, at codon 572 of the CAPN3 protein (p.Arg572Gly).

Eurofins Ntd Llc (ga)
Classification: Uncertain significance. Last evaluated: 2016-11-01. Review status: criteria provided, single submitter. Criteria: EGL Classification Definitions 2015. Collection method: clinical testing. Allele origin: germline. Observed: 1 variant allele, 1 heterozygote.

Literature cited by the submitters: PubMed 30564623 (cited by Labcorp Genetics (formerly Invitae), Labcorp); PubMed 7720071 (cited by Labcorp Genetics (formerly Invitae), Labcorp); PubMed 10102422 (cited by Labcorp Genetics (formerly Invitae), Labcorp); PubMed 16650086 (cited by Labcorp Genetics (formerly Invitae), Labcorp); PubMed 27066545 (cited by Labcorp Genetics (formerly Invitae), Labcorp); PubMed 27708273 (cited by Labcorp Genetics (formerly Invitae), Labcorp).